The following is an entry in ClinVar:

ClinVar aggregate classification (germline): Likely benign. Review status: criteria provided, single submitter (1 of 4 stars). 2 submissions from 2 submitters: Likely benign (1). 1 of the submissions does not count toward it. Last evaluated 2024-11-21.

Conditions:
NTN1-related disorder. Also called: NTN1-related condition.

Allele frequency attached by ClinVar (database versions not stated): 1000 Genomes Project 30x 0.00016; TOPMed 0.00053; ESP Exome Variant Server 0.00070.
gnomAD v4.1: 761 of 1,546,216 alleles (0.049%); highest among the groups gnomAD compares: Non-Finnish European, 0.057%; 1 homozygote.

Submissions (2):

Blueprint Genetics
Classification: Likely benign. Last evaluated: 2024-11-21. Review status: criteria provided, single submitter. Criteria: ACMG Guidelines, 2015. Collection method: clinical testing. Allele origin: germline.

PreventionGenetics, part of Exact Sciences
Classification: Likely benign for NTN1-related condition. Last evaluated: 2023-06-21. Review status: no assertion criteria provided. Collection method: clinical testing. Allele origin: germline. Not counted in ClinVar's aggregate classification.
Comment: This variant is classified as likely benign based on ACMG/AMP sequence variant interpretation guidelines (Richards et al. 2015 PMID: 25741868, with internal and published modifications).

NM_004822.3(NTN1):c.219C>T (p.Pro73=)

Gene: NTN1 (netrin 1; plus strand). Cytogenetic location: 17p13.1.
Variant type: single nucleotide variant.
Coding change: c.219C>T on transcript NM_004822.3 (MANE Select); coding-DNA position 219, C replaced by T.
Protein change: p.Pro73=; no amino-acid change (proline 73 retained).
Molecular consequence: synonymous variant.
Genome position (GRCh38, 1-based): chr17:9,022,592, C>T. VCF-style: chr17-9022592-C-T. GRCh37 (hg19) VCF-style: chr17-8925909-C-T.
Identifiers: ClinVar variation 3033729 (VCV003033729.3), dbSNP rs369647326, ClinGen allele CA8380971.